The following is an entry in ClinVar:

NM_000384.3(APOB):c.7523T>A (p.Met2508Lys)

Gene: APOB (apolipoprotein B; minus strand). Cytogenetic location: 2p24.1.
Variant type: single nucleotide variant.
Coding change: c.7523T>A on transcript NM_000384.3 (MANE Select); coding-DNA position 7523, T replaced by A.
Protein change: p.Met2508Lys; replaces methionine 2508 with lysine.
Molecular consequence: missense variant.
Genome position (GRCh38, 1-based): chr2:21,009,345, A>T on the plus strand (T>A on the coding strand, the complement: APOB is on the minus strand). VCF-style: chr2-21009345-A-T. GRCh37 (hg19) VCF-style: chr2-21232217-A-T.
Other names: c.7523T>A (NM_000384.2); short protein forms M2508K.
Identifiers: ClinVar variation 2162449 (VCV002162449.5), dbSNP rs1164567845, ClinGen allele CA345996972.

ClinVar aggregate classification (germline): Uncertain significance. Review status: criteria provided, multiple submitters, no conflicts (2 of 4 stars). 2 submissions from 2 submitters: Uncertain significance (2). Last evaluated 2026-09-11.

Conditions:
Hypercholesterolemia, autosomal dominant, type B (FHCL2). Also called: Familial Hypercholesterolemia Type B; APOLIPOPROTEIN B-100, FAMILIAL DEFECTIVE; APOLIPOPROTEIN B-100, FAMILIAL LIGAND-DEFECTIVE; HYPERCHOLESTEROLEMIA, FAMILIAL, DUE TO LIGAND-DEFECTIVE APOLIPOPROTEIN B; APOB-Related Familial Hypercholesterolemia, Autosomal Dominant; Hyperlipoproteinemia Type IIb. Identifiers: MedGen C1704417, MONDO:0007751, OMIM 144010.
Familial hypobetalipoproteinemia 1. Also called: APOB-Related Familial Hypobetalipoproteinemia; Hypobetalipoproteinemia, normotriglyceridemic; Acanthocytosis with hypobetalipoproteinemia. Identifiers: MedGen C4551990, MONDO:0014252, OMIM 615558.
Cardiovascular phenotype. Identifiers: MedGen CN230736.

Allele frequency attached by ClinVar (database versions not stated): gnomAD 0.00001; gnomAD exomes below 0.00001.

Submissions (2):

Ambry Genetics
Classification: Uncertain significance for Cardiovascular phenotype. Last evaluated: 2026-09-11. Review status: criteria provided, single submitter. Criteria: Ambry Variant Classification Scheme 2023. Collection method: clinical testing. Allele origin: germline.
Comment: The p.M2508K variant (also known as c.7523T>A), located in coding exon 26 of the APOB gene, results from a T to A substitution at nucleotide position 7523. The methionine at codon 2508 is replaced by lysine, an amino acid with similar properties. This amino acid position is conserved. In addition, this alteration is predicted to be tolerated by in silico analysis. Based on the available evidence, the clinical significance of this variant remains unclear.

Labcorp Genetics (formerly Invitae), Labcorp
Classification: Uncertain significance for Familial hypobetalipoproteinemia 1; Hypercholesterolemia, autosomal dominant, type B. Last evaluated: 2022-07-21. Review status: criteria provided, single submitter. Criteria: Invitae Variant Classification Sherloc (09022015). Collection method: clinical testing. Allele origin: germline.
Comment: In summary, the available evidence is currently insufficient to determine the role of this variant in disease. Therefore, it has been classified as a Variant of Uncertain Significance. Algorithms developed to predict the effect of missense changes on protein structure and function are either unavailable or do not agree on the potential impact of this missense change (SIFT: "Deleterious"; PolyPhen-2: "Benign"; Align-GVGD: "Class C0"). This variant has not been reported in the literature in individuals affected with APOB-related conditions. This variant is not present in population databases (gnomAD no frequency). This sequence change replaces methionine, which is neutral and non-polar, with lysine, which is basic and polar, at codon 2508 of the APOB protein (p.Met2508Lys).